The following is an entry in ClinVar:

NM_133372.3(FNIP1):c.2282C>T (p.Pro761Leu)

Gene: FNIP1 (folliculin interacting protein 1; minus strand). Cytogenetic location: 5q31.1.
Variant type: single nucleotide variant.
Coding change: c.2282C>T on transcript NM_133372.3 (MANE Select); coding-DNA position 2282, C replaced by T.
Protein change: p.Pro761Leu; replaces proline 761 with leucine.
Molecular consequence: missense variant.
Genome position (GRCh38, 1-based): chr5:131,672,162, G>A on the plus strand (C>T on the coding strand, the complement: FNIP1 is on the minus strand). VCF-style: chr5-131672162-G-A. GRCh37 (hg19) VCF-style: chr5-131007855-G-A.
Other names: c.2198C>T, p.Pro733Leu (NM_001008738.3); c.2147C>T, p.Pro716Leu (NM_001346114.2); short protein forms P733L, P716L, P761L.
Identifiers: ClinVar variation 1906807 (VCV001906807.2), dbSNP rs748559768, ClinGen allele CA3400538.

ClinVar aggregate classification (germline): Uncertain significance (1 of 4 stars; one submission).

Allele frequency attached by ClinVar (database versions not stated): TOPMed below 0.00001; gnomAD 0.00001; ExAC 0.00003; gnomAD exomes 0.00006.
gnomAD v4.1: 87 of 1,614,050 alleles (0.0054%); highest among the groups gnomAD compares: Non-Finnish European, 0.0072%; no homozygotes.

Submission:

Labcorp Genetics (formerly Invitae), Labcorp
Classification: Uncertain significance. Last evaluated: 2022-07-09. Review status: criteria provided, single submitter. Criteria: Invitae Variant Classification Sherloc (09022015). Collection method: clinical testing. Allele origin: germline.
Comment: This sequence change replaces proline, which is neutral and non-polar, with leucine, which is neutral and non-polar, at codon 761 of the FNIP1 protein (p.Pro761Leu). This variant is present in population databases (rs748559768, gnomAD 0.006%). This variant has not been reported in the literature in individuals affected with FNIP1-related conditions. Algorithms developed to predict the effect of missense changes on protein structure and function are either unavailable or do not agree on the potential impact of this missense change (SIFT: "Tolerated"; PolyPhen-2: "Probably Damaging"; Align-GVGD: "Class C0"). In summary, the available evidence is currently insufficient to determine the role of this variant in disease. Therefore, it has been classified as a Variant of Uncertain Significance.